The following is an entry in ClinVar:

NM_004360.5(CDH1):c.68A>T (p.Gln23Leu)

Gene: CDH1 (cadherin 1; plus strand). Cytogenetic location: 16q22.1.
Variant type: single nucleotide variant.
Coding change: c.68A>T on transcript NM_004360.5 (MANE Select); coding-DNA position 68, A replaced by T.
Protein change: p.Gln23Leu; replaces glutamine 23 with leucine.
Molecular consequence: missense variant. On other transcripts: 5 prime UTR variant (2).
Genome position (GRCh38, 1-based): chr16:68,738,316, A>T. VCF-style: chr16-68738316-A-T. GRCh37 (hg19) VCF-style: chr16-68772219-A-T.
Other names: c.68A>T, p.Gln23Leu (NM_001317184.2); c.-1548A>T (NM_001317185.2); c.-1752A>T (NM_001317186.2); short protein forms Q23L.
Identifiers: ClinVar variation 835963 (VCV000835963.10), dbSNP rs1962456890, ClinGen allele CA396451702.

ClinVar aggregate classification (germline): Uncertain significance (1 of 4 stars; one submission).

Conditions:
Hereditary diffuse gastric adenocarcinoma (HDGC). Also called: DIFFUSE GASTRIC AND LOBULAR BREAST CANCER SYNDROME. Identifiers: Orphanet 26106, MedGen C1708349, MONDO:0007648, OMIM 137215.

Submission:

Labcorp Genetics (formerly Invitae), Labcorp
Classification: Uncertain significance for Hereditary diffuse gastric adenocarcinoma. Last evaluated: 2022-02-27. Review status: criteria provided, single submitter. Criteria: Invitae Variant Classification Sherloc (09022015). Collection method: clinical testing. Allele origin: germline.
Comment: ClinVar contains an entry for this variant (Variation ID: 835963). This sequence change replaces glutamine, which is neutral and polar, with leucine, which is neutral and non-polar, at codon 23 of the CDH1 protein (p.Gln23Leu). This variant is not present in population databases (gnomAD no frequency). This variant has not been reported in the literature in individuals affected with CDH1-related conditions. In summary, the available evidence is currently insufficient to determine the role of this variant in disease. Therefore, it has been classified as a Variant of Uncertain Significance. Algorithms developed to predict the effect of missense changes on protein structure and function (SIFT, PolyPhen-2, Align-GVGD) all suggest that this variant is likely to be tolerated.